The following is an entry in ClinVar:

NM_000548.5(TSC2):c.3860T>A (p.Leu1287Gln)

Gene: TSC2 (TSC complex subunit 2; plus strand). Cytogenetic location: 16p13.3.
Variant type: single nucleotide variant.
Coding change: c.3860T>A on transcript NM_000548.5 (MANE Select); coding-DNA position 3860, T replaced by A.
Protein change: p.Leu1287Gln; replaces leucine 1287 with glutamine.
Molecular consequence: missense variant. On other transcripts: non-coding transcript variant (1), intron variant (33).
Genome position (GRCh38, 1-based): chr16:2,082,481, T>A. VCF-style: chr16-2082481-T-A. GRCh37 (hg19) VCF-style: chr16-2132482-T-A.
Other names: c.2341+683T>A (NM_001406693.1, NM_001406692.1, NM_001406694.1); c.3775+683T>A (NM_001406667.1); c.3772+683T>A (NM_001406668.1); c.3214+683T>A (NM_001406683.1, NM_001406682.1); c.3082+683T>A (NM_001406687.1, NM_001406688.1); c.2470+683T>A (NM_001406689.1); c.2338+683T>A (NM_001406697.1, NM_001406695.1, NM_001406696.1); c.2080+683T>A (NM_001406698.1); and 25 more; short protein forms L1087Q, L1243Q, L1286Q, L796Q, L795Q, L1043Q, L1244Q, L1287Q.
Identifiers: ClinVar variation 4192150 (VCV004192150.1).

ClinVar aggregate classification (germline): Uncertain significance (1 of 4 stars; one submission).

Conditions:
Hereditary cancer-predisposing syndrome. Also called: Neoplastic Syndromes, Hereditary; Tumor predisposition; Hereditary Cancer Syndrome; Hereditary neoplastic syndrome. Identifiers: Orphanet 140162, MedGen C0027672, MeSH D009386, MONDO:0015356.

Submission:

Ambry Genetics
Classification: Uncertain significance for Hereditary cancer-predisposing syndrome. Last evaluated: 2025-07-03. Review status: criteria provided, single submitter. Criteria: Ambry Variant Classification Scheme 2023. Collection method: clinical testing. Allele origin: germline.
Comment: The p.L1287Q variant (also known as c.3860T>A), located in coding exon 31 of the TSC2 gene, results from a T to A substitution at nucleotide position 3860. The leucine at codon 1287 is replaced by glutamine, an amino acid with dissimilar properties. This amino acid position is conserved. In addition, this alteration is predicted to be deleterious by in silico analysis. Based on the available evidence, the clinical significance of this variant remains unclear.